The following is an entry in ClinVar:

NM_001206927.2(DNAH8):c.1070A>G (p.His357Arg)

Gene: DNAH8 (dynein axonemal heavy chain 8; plus strand). Cytogenetic location: 6p21.2.
Variant type: single nucleotide variant.
Coding change: c.1070A>G on transcript NM_001206927.2 (MANE Select); coding-DNA position 1070, A replaced by G.
Protein change: p.His357Arg; replaces histidine 357 with arginine.
Molecular consequence: missense variant.
Genome position (GRCh38, 1-based): chr6:38,737,926, A>G. VCF-style: chr6-38737926-A-G. GRCh37 (hg19) VCF-style: chr6-38705702-A-G.
Other names: c.419A>G, p.His140Arg (NM_001371.4); short protein forms H140R, H357R.
Identifiers: ClinVar variation 1473590 (VCV001473590.8), dbSNP rs1207890931, ClinGen allele CA363987258.
Genomic context (GRCh38, chr6:38,737,926, plus strand): 5'-TTTCCAAACTGCACACCTTTGAAGAAGTAACTGCTGCAGCCAGCAACTCAGAAACTGTTC[A>G]TCAGCTGGAGGAAGTGCTGATGGTATGGTACAAACAGATCGAACAGGTGAATTGACTCAA-3'
Protein context (NP_001193856.1, residues 347-367): TAAASNSETV[His357Arg]QLEEVLMVWY

ClinVar aggregate classification (germline): Uncertain significance (1 of 4 stars; one submission).

Conditions:
Primary ciliary dyskinesia. Also called: Ciliary dyskinesia. Identifiers: Orphanet 244, MedGen C0008780, MONDO:0016575, HP:0012265.

Allele frequency attached by ClinVar (database versions not stated): gnomAD exomes below 0.00001.
gnomAD v4.1: 2 of 1,608,554 alleles (0.00012%); highest among the groups gnomAD compares: Non-Finnish European, 0.000085%; no homozygotes.

Submission:

Labcorp Genetics (formerly Invitae), Labcorp
Classification: Uncertain significance for Primary ciliary dyskinesia. Last evaluated: 2022-12-06. Review status: criteria provided, single submitter. Criteria: Invitae Variant Classification Sherloc (09022015). Collection method: clinical testing. Allele origin: germline.
Comment: ClinVar contains an entry for this variant (Variation ID: 1473590). Algorithms developed to predict the effect of missense changes on protein structure and function output the following: SIFT: "Tolerated"; PolyPhen-2: "Not Available"; Align-GVGD: "Class C0". The arginine amino acid residue is found in multiple mammalian species, which suggests that this missense change does not adversely affect protein function. In summary, the available evidence is currently insufficient to determine the role of this variant in disease. Therefore, it has been classified as a Variant of Uncertain Significance. This sequence change replaces histidine, which is basic and polar, with arginine, which is basic and polar, at codon 357 of the DNAH8 protein (p.His357Arg). This variant is present in population databases (no rsID available, gnomAD 0.01%). This variant has not been reported in the literature in individuals affected with DNAH8-related conditions.